The following is an entry in ClinVar:

ClinVar aggregate classification (germline): Uncertain significance (1 of 4 stars; one submission).

gnomAD v4.1: 1 of 1,612,410 alleles (0.000062%); highest among the groups gnomAD compares: Non-Finnish European, 0.000085%; no homozygotes.

Submission:

Ambry Genetics
Classification: Uncertain significance. Last evaluated: 2026-07-08. Review status: criteria provided, single submitter. Criteria: Ambry Variant Classification Scheme 2023. Collection method: clinical testing. Allele origin: germline.
Comment: The c.1354G>A (p.G452S) alteration is located in exon 12 (coding exon 11) of the LCP1 gene. This alteration results from a G to A substitution at nucleotide position 1354, causing the glycine (G) at amino acid position 452 to be replaced by a serine (S). Based on data from gnomAD, the A allele has an overall frequency of <0.001% (1/251376) total alleles studied. The highest observed frequency was 0.001% (1/113702) of European (non-Finnish) alleles. Based on insufficient or conflicting evidence, the clinical significance of this alteration remains unclear.

NM_002298.5(LCP1):c.1354G>A (p.Gly452Ser)

Gene: LCP1 (lymphocyte cytosolic protein 1; minus strand). Cytogenetic location: 13q14.13.
Variant type: single nucleotide variant.
Coding change: c.1354G>A on transcript NM_002298.5 (MANE Select); coding-DNA position 1354, G replaced by A.
Protein change: p.Gly452Ser; replaces glycine 452 with serine.
Molecular consequence: missense variant.
Genome position (GRCh38, 1-based): chr13:46,143,304, C>T on the plus strand (G>A on the coding strand, the complement: LCP1 is on the minus strand). VCF-style: chr13-46143304-C-T. GRCh37 (hg19) VCF-style: chr13-46717439-C-T.
Other names: short protein forms G452S.
Identifiers: ClinVar variation 5023521 (VCV005023521.1).